The following is an entry in ClinVar:

NM_002485.5(NBN):c.1466_1492del (p.Leu489_Thr497del)

Gene: NBN (nibrin; minus strand). Cytogenetic location: 8q21.3.
Variant type: Deletion.
Coding change: c.1466_1492del on transcript NM_002485.5 (MANE Select); coding-DNA positions 1466 to 1492, 27 bases deleted (TTTTAGAACAAACACAACCTGCTACAC).
Protein change: p.Leu489_Thr497del.
Molecular consequence: inframe deletion. On other transcripts: inframe indel (1).
Genome position (GRCh38, 1-based): chr8:89,953,597-89,953,623, GTGTAGCAGGTTGTGTTTGTTCTAAAA deleted on the plus strand (TTTTAGAACAAACACAACCTGCTACAC on the coding strand, the reverse complement: NBN is on the minus strand); deleting any 27 consecutive bases within chr8:89,953,597-89,953,624 gives the same sequence; the c. name uses the placement nearest the transcript's 3' end. VCF-style (leftmost placement, unchanged base first): chr8-89953596-GGTGTAGCAGGTTGTGTTTGTTCTAAAA-G. GRCh37 (hg19) VCF-style: chr8-90965824-GGTGTAGCAGGTTGTGTTTGTTCTAAAA-G.
Other names: c.1220_1246del, p.Leu407_Thr415del (NM_001024688.3); c.1465_1491del27, p.Leu489_Thr497del (NM_002485.4).
Identifiers: ClinVar variation 1712047 (VCV001712047.2), dbSNP rs2488233427, ClinGen allele CA2580079074.

ClinVar aggregate classification (germline): Uncertain significance (1 of 4 stars; one submission).

Submission:

GeneDx
Classification: Uncertain significance. Last evaluated: 2022-04-18. Review status: criteria provided, single submitter. Criteria: GeneDx Variant Classification Process June 2021. Collection method: clinical testing. Allele origin: germline. Affected: yes.
Comment: Not observed at significant frequency in large population cohorts (gnomAD); In-frame deletion of 9 amino acids in a non-repeat region; In silico analysis supports a deleterious effect on protein structure/function; Has not been previously published as pathogenic or benign to our knowledge